The following is an entry in ClinVar:

NM_001244926.2(PRPF4):c.583G>A (p.Ala195Thr)

Gene: PRPF4 (pre-mRNA splicing tri-snRNP complex factor PRPF4; plus strand). Cytogenetic location: 9q32.
Variant type: single nucleotide variant.
Coding change: c.583G>A on transcript NM_001244926.2 (MANE Select); coding-DNA position 583, G replaced by A.
Protein change: p.Ala195Thr; replaces alanine 195 with threonine.
Molecular consequence: missense variant. On other transcripts: 5 prime UTR variant (2), non-coding transcript variant (2).
Genome position (GRCh38, 1-based): chr9:113,283,411, G>A. VCF-style: chr9-113283411-G-A. GRCh37 (hg19) VCF-style: chr9-116045691-G-A.
Other names: c.-183G>A (NM_001322266.2, NM_001322267.2); c.586G>A, p.Ala196Thr (NM_004697.5); short protein forms A196T, A195T.
Identifiers: ClinVar variation 840325 (VCV000840325.9), dbSNP rs140995216, ClinGen allele CA5194926.

ClinVar aggregate classification (germline): Uncertain significance. Review status: criteria provided, multiple submitters, no conflicts (2 of 4 stars). 2 submissions from 2 submitters: Uncertain significance (2). Last evaluated 2025-09-08.

Allele frequency attached by ClinVar (database versions not stated): gnomAD exomes 0.00001 and 0.00002; ExAC 0.00004; ESP Exome Variant Server 0.00008; gnomAD 0.00017 and 0.00018; TOPMed 0.00029; 1000 Genomes Project 0.00060; 1000 Genomes Project 30x 0.00062.
gnomAD v4.1: 47 of 1,614,148 alleles (0.0029%); highest among the groups gnomAD compares: Admixed American, 0.053%; no homozygotes.

Submissions (2):

Labcorp Genetics (formerly Invitae), Labcorp
Classification: Uncertain significance. Last evaluated: 2025-09-08. Review status: criteria provided, single submitter. Criteria: Invitae Variant Classification Sherloc (09022015). Collection method: clinical testing. Allele origin: germline.
Comment: This sequence change replaces alanine, which is neutral and non-polar, with threonine, which is neutral and polar, at codon 196 of the PRPF4 protein (p.Ala196Thr). This variant is present in population databases (rs140995216, gnomAD 0.02%). This variant has not been reported in the literature in individuals affected with PRPF4-related conditions. ClinVar contains an entry for this variant (Variation ID: 840325). An algorithm developed to predict the effect of missense changes on protein structure and function (PolyPhen-2) suggests that this variant is likely to be disruptive. In summary, the available evidence is currently insufficient to determine the role of this variant in disease. Therefore, it has been classified as a Variant of Uncertain Significance.

Blueprint Genetics
Classification: Uncertain significance. Last evaluated: 2022-03-30. Review status: criteria provided, single submitter. Criteria: ACMG Guidelines, 2015. Collection method: clinical testing. Allele origin: germline.